The following is an entry in ClinVar:

ClinVar aggregate classification (germline): Uncertain significance (1 of 4 stars; one submission).

Submission:

Labcorp Genetics (formerly Invitae), Labcorp
Classification: Uncertain significance. Last evaluated: 2022-06-19. Review status: criteria provided, single submitter. Criteria: Invitae Variant Classification Sherloc (09022015). Collection method: clinical testing. Allele origin: germline.
Comment: In summary, the available evidence is currently insufficient to determine the role of this variant in disease. Therefore, it has been classified as a Variant of Uncertain Significance. Experimental studies and prediction algorithms are not available or were not evaluated, and the functional significance of this variant is currently unknown. This variant has not been reported in the literature in individuals affected with COL18A1-related conditions. This variant is not present in population databases (gnomAD no frequency). This sequence change replaces histidine, which is basic and polar, with asparagine, which is neutral and polar, at codon 132 of the COL18A1 protein (p.His132Asn).

NM_001379500.1(COL18A1):c.394C>A (p.His132Asn)

Gene: COL18A1 (collagen type XVIII alpha 1 chain; plus strand). Cytogenetic location: 21q22.3.
Variant type: single nucleotide variant.
Coding change: c.394C>A on transcript NM_001379500.1 (MANE Select); coding-DNA position 394, C replaced by A.
Protein change: p.His132Asn; replaces histidine 132 with asparagine.
Molecular consequence: missense variant.
Genome position (GRCh38, 1-based): chr21:45,468,529, C>A. VCF-style: chr21-45468529-C-A. GRCh37 (hg19) VCF-style: chr21-46888443-C-A.
Other names: c.934C>A, p.His312Asn (NM_030582.4); c.1639C>A, p.His547Asn (NM_130444.3); short protein forms H312N, H132N, H547N.
Identifiers: ClinVar variation 2008271 (VCV002008271.4), dbSNP rs2517558680, ClinGen allele CA410511948.
Genomic context (GRCh38, chr21:45,468,529, plus strand): 5'-ACGGACTCGGCGCAGGCCATGGTCTTGCTGGGCGTGAAGCTCTCTGGGGTGCAGGACGGG[C>A]ACCAGGACATCTCCCTGCTCTACACAGAACCAGGTGCAGGCCAGACCCACACAGCCGCCA-3'
Protein context (NP_001366429.1, residues 122-142): GVKLSGVQDG[His132Asn]QDISLLYTEP